The following is an entry in ClinVar:

NM_001376.5(DYNC1H1):c.12109_12110delinsTT (p.Pro4037Phe)

Gene: DYNC1H1 (dynein cytoplasmic 1 heavy chain 1; plus strand). Cytogenetic location: 14q32.31.
Variant type: Indel.
Coding change: c.12109_12110delinsTT on transcript NM_001376.5 (MANE Select); coding-DNA positions 12109 to 12110, CC replaced by TT.
Protein change: p.Pro4037Phe; replaces proline 4037 with phenylalanine.
Molecular consequence: missense variant.
Genome position (GRCh38, 1-based): chr14:102,042,019-102,042,020, CC replaced by TT. VCF-style: chr14-102042019-CC-TT. GRCh37 (hg19) VCF-style: chr14-102508356-CC-TT.
Other names: short protein forms P4037F.
Identifiers: ClinVar variation 658365 (VCV000658365.7), dbSNP rs1595631704, ClinGen allele CA915946455.

ClinVar aggregate classification (germline): Uncertain significance (1 of 4 stars; one submission).

Conditions:
Charcot-Marie-Tooth disease axonal type 2O. Also called: CHARCOT-MARIE-TOOTH NEUROPATHY, AXONAL, TYPE 2O; CHARCOT-MARIE-TOOTH DISEASE, AXONAL, AUTOSOMAL DOMINANT, TYPE 2O; Charcot-Marie-Tooth Neuropathy Type 2O; Charcot-Marie-Tooth disease, axonal, type 20. Identifiers: Orphanet 284232, MedGen C3280220, MONDO:0013644, OMIM 614228.

Submission:

Labcorp Genetics (formerly Invitae), Labcorp
Classification: Uncertain significance for Charcot-Marie-Tooth disease axonal type 2O. Last evaluated: 2018-09-06. Review status: criteria provided, single submitter. Criteria: Invitae Variant Classification Sherloc (09022015). Collection method: clinical testing. Allele origin: germline.
Comment: This sequence change replaces proline with phenylalanine at codon 4037 of the DYNC1H1 protein (p.Pro4037Phe). The proline residue is highly conserved and there is a moderate physicochemical difference between proline and phenylalanine. This variant is not present in population databases (ExAC no frequency). This variant has not been reported in the literature in individuals with DYNC1H1-related disease. Algorithms developed to predict the effect of missense changes on protein structure and function are either unavailable or do not agree on the potential impact of this missense change (SIFT: "Deleterious"; PolyPhen-2: "Possibly Damaging"; Align-GVGD: "Class C0"). In summary, the available evidence is currently insufficient to determine the role of this variant in disease. Therefore, it has been classified as a Variant of Uncertain Significance.